The following is an entry in ClinVar:

ClinVar aggregate classification (germline): Pathogenic/Likely pathogenic. Review status: criteria provided, multiple submitters, no conflicts (2 of 4 stars). 3 submissions from 3 submitters: Pathogenic (2); Likely pathogenic (1). Last evaluated 2023-08-11.

Conditions:
Familial adenomatous polyposis 3. Also called: NTHL1 Tumor Syndrome; NTHL1-related attenuated familial adenomatous polyposis; NTHL1-associated polyposis; NTHL1-Related Adenomatous Polyposis and Colorectal Cancer. Identifiers: Orphanet 220460, Orphanet 454840, MedGen C4225157, MONDO:0014630, OMIM 616415.

Submissions (3):

Myriad Genetics, Inc.
Classification: Pathogenic for Familial adenomatous polyposis 3. Last evaluated: 2023-08-11. Review status: criteria provided, single submitter. Criteria: Myriad Autosomal Dominant, Autosomal Recessive and X-Linked Classification Criteria (2023). Collection method: clinical testing. Allele origin: unknown.
Comment: This variant is considered pathogenic. This variant creates a frameshift predicted to result in premature protein truncation.

Labcorp Genetics (formerly Invitae), Labcorp
Classification: Pathogenic. Last evaluated: 2023-02-27. Review status: criteria provided, single submitter. Criteria: Invitae Variant Classification Sherloc (09022015). Collection method: clinical testing. Allele origin: germline.
Comment: For these reasons, this variant has been classified as Pathogenic. This variant disrupts the C-terminus of the NTHL1 protein. Other variant(s) that disrupt this region (p.Gln287*) have been determined to be pathogenic (PMID: 27329137, 30753826, 28912133, 30552997). This suggests that variants that disrupt this region of the protein are likely to be causative of disease. This variant has not been reported in the literature in individuals affected with NTHL1-related conditions. This variant is not present in population databases (gnomAD no frequency). This sequence change creates a premature translational stop signal (p.Val217Trpfs*55) in the NTHL1 gene. While this is not anticipated to result in nonsense mediated decay, it is expected to disrupt the last 96 amino acid(s) of the NTHL1 protein.

Baylor Genetics
Classification: Likely pathogenic for Familial adenomatous polyposis 3. Last evaluated: 2022-04-06. Review status: criteria provided, single submitter. Criteria: ACMG Guidelines, 2015. Collection method: clinical testing. Allele origin: unknown.

Literature cited by the submitters: PubMed 27329137 (cited by Labcorp Genetics (formerly Invitae), Labcorp); PubMed 30753826 (cited by Labcorp Genetics (formerly Invitae), Labcorp); PubMed 28912133 (cited by Labcorp Genetics (formerly Invitae), Labcorp); PubMed 30552997 (cited by Labcorp Genetics (formerly Invitae), Labcorp).

NM_002528.7(NTHL1):c.625_626del (p.Val209fs)

Gene: NTHL1 (nth like DNA glycosylase 1; minus strand). Cytogenetic location: 16p13.3.
Variant type: Microsatellite.
Coding change: c.625_626del on transcript NM_002528.7 (MANE Select); coding-DNA positions 625 to 626, 2 bases deleted (GT; older notation c.625_626delGT).
Protein change: p.Val209fs; shifts the reading frame from valine 209.
Molecular consequence: frameshift variant.
Genome position (GRCh38, 1-based): chr16:2,043,626-2,043,627, AC deleted on the plus strand (GT on the coding strand, the reverse complement: NTHL1 is on the minus strand); deleting any 2 consecutive bases within chr16:2,043,626-2,043,629 gives the same sequence; the c. name uses the placement nearest the transcript's 3' end. VCF-style (leftmost placement, unchanged base first): chr16-2043625-AAC-A. GRCh37 (hg19) VCF-style: chr16-2093626-AAC-A.
Other names: c.454_455del, p.Val152fs (NM_001318193.2); c.295_296del, p.Val99fs (NM_001318194.2); short protein forms V209fs, V99fs, V152fs.
Identifiers: ClinVar variation 1515250 (VCV001515250.8), dbSNP rs2150941243, ClinGen allele CA2580613371.